The following is an entry in ClinVar:

NM_000038.6(APC):c.5648A>C (p.Lys1883Thr)

Gene: APC (APC regulator of Wnt signaling pathway; plus strand). Cytogenetic location: 5q22.2.
Variant type: single nucleotide variant.
Coding change: c.5648A>C on transcript NM_000038.6 (MANE Select); coding-DNA position 5648, A replaced by C.
Protein change: p.Lys1883Thr; replaces lysine 1883 with threonine.
Molecular consequence: missense variant.
Genome position (GRCh38, 1-based): chr5:112,841,242, A>C. VCF-style: chr5-112841242-A-C. GRCh37 (hg19) VCF-style: chr5-112176939-A-C.
Other names: c.5648A>C, p.Lys1883Thr (NM_001127510.3, NM_001354895.2); c.5594A>C, p.Lys1865Thr (NM_001127511.3); c.5702A>C, p.Lys1901Thr (NM_001354896.2); c.5678A>C, p.Lys1893Thr (NM_001354897.2); c.5573A>C, p.Lys1858Thr (NM_001354898.2); c.5564A>C, p.Lys1855Thr (NM_001354899.2); c.5525A>C, p.Lys1842Thr (NM_001354900.2); c.5471A>C, p.Lys1824Thr (NM_001354901.2); and 5 more; short protein forms K1600T, K1723T, K1757T, K1782T, K1792T, K1824T, K1842T, K1855T.
Identifiers: ClinVar variation 1692253 (VCV001692253.3), dbSNP rs2149945525, ClinGen allele CA16033694.

ClinVar aggregate classification (germline): Uncertain significance. Review status: criteria provided, multiple submitters, no conflicts (2 of 4 stars). 2 submissions from 2 submitters: Uncertain significance (2). Last evaluated 2024-03-07.

Conditions:
Hereditary cancer-predisposing syndrome. Also called: Hereditary Cancer Syndrome; Hereditary neoplastic syndrome; Neoplastic Syndromes, Hereditary; Tumor predisposition. Identifiers: Orphanet 140162, MedGen C0027672, MeSH D009386, MONDO:0015356.

Submissions (2):

Color Diagnostics, LLC DBA Color Health
Classification: Uncertain significance for Hereditary cancer-predisposing syndrome. Last evaluated: 2024-03-07. Review status: criteria provided, single submitter. Criteria: ACMG Guidelines, 2015. Collection method: clinical testing. Allele origin: germline.
Comment: This missense variant replaces lysine with threonine at codon 1883 of the APC protein. Computational prediction is inconclusive regarding the impact of this variant on protein structure and function (internally defined REVEL score threshold 0.5 < inconclusive < 0.7, PMID: 27666373). To our knowledge, functional studies have not been reported for this variant. This variant has not been reported in individuals affected with hereditary cancer in the literature. This variant has not been identified in the general population by the Genome Aggregation Database (gnomAD). The available evidence is insufficient to determine the role of this variant in disease conclusively. Therefore, this variant is classified as a Variant of Uncertain Significance.

Sema4
Classification: Uncertain significance for Hereditary cancer-predisposing syndrome. Last evaluated: 2021-12-10. Review status: criteria provided, single submitter. Criteria: Sema4 Curation Guidelines. Collection method: curation. Allele origin: germline.
Comment: The APC c.5648A>C (p.K1883T) variant has not been reported in the literature to our knowledge. It was not observed in the large and broad cohorts of the Genome Aggregation Database (PMID: 32461654), and has not been reported in ClinVar. Functional studies have not been performed, and in silico predictions of the variant's effect on protein function are inconclusive. The evidence is insufficient to meet ACMG/AMP criteria for classifying the variant as benign or pathogenic. Thus, the clinical significance of this variant is currently uncertain.